The following is an entry in ClinVar:

NM_002397.5(MEF2C):c.589+8del

Gene: MEF2C (myocyte enhancer factor 2C; minus strand). Cytogenetic location: 5q14.3.
Variant type: Deletion.
Coding change: c.589+8del on transcript NM_002397.5 (MANE Select); 8 bases into the intron after coding-DNA position 589, one base deleted (C; older notation c.589+8delC).
Molecular consequence: intron variant.
Genome position (GRCh38, 1-based): chr5:88,751,849, G deleted on the plus strand (C on the coding strand, the reverse complement: MEF2C is on the minus strand); the first of 2 consecutive G bases (chr5:88,751,849-88,751,850); deleting either gives the same sequence. VCF-style (leftmost placement, unchanged base first): chr5-88751848-AG-A. GRCh37 (hg19) VCF-style: chr5-88047665-AG-A.
Other names: c.589+8del (NM_001364329.2, NM_001364330.2, NM_001364333.2 and 18 more transcripts); c.445+8del (NM_001364344.2, NM_001364354.2, NM_001364332.2 and 3 more transcripts); c.211+8del (NM_001364353.2, NM_001364356.2); c.583+8del (NM_001131005.2, NM_001364352.2, NM_001364343.2); c.643+8del (NM_001193347.1, NM_001364338.2); c.163+8del (NM_001364357.2).
Identifiers: ClinVar variation 2655581 (VCV002655581.24), dbSNP rs2547863789, ClinGen allele CA2695198687.

ClinVar aggregate classification (germline): Uncertain significance (1 of 4 stars; one submission).

Submission:

CeGaT Center for Human Genetics Tuebingen
Classification: Uncertain significance. Last evaluated: 2022-08-01. Review status: criteria provided, single submitter. Criteria: CeGaT Center For Human Genetics Tuebingen Variant Classification Criteria Version 2. Collection method: clinical testing. Allele origin: germline. Affected: yes. Observed: 1 variant allele.
Comment: MEF2C: PM2, BP4